The following is an entry in ClinVar:

NM_000038.6(APC):c.5270C>T (p.Ser1757Phe)

Gene: APC (APC regulator of Wnt signaling pathway; plus strand). Cytogenetic location: 5q22.2.
Variant type: single nucleotide variant.
Coding change: c.5270C>T on transcript NM_000038.6 (MANE Select); coding-DNA position 5270, C replaced by T.
Protein change: p.Ser1757Phe; replaces serine 1757 with phenylalanine.
Molecular consequence: missense variant.
Genome position (GRCh38, 1-based): chr5:112,840,864, C>T. VCF-style: chr5-112840864-C-T. GRCh37 (hg19) VCF-style: chr5-112176561-C-T.
Other names: c.5270C>T, p.Ser1757Phe (NM_001127510.3, NM_001354895.2, NM_001407450.1); c.5216C>T, p.Ser1739Phe (NM_001127511.3); c.5324C>T, p.Ser1775Phe (NM_001354896.2, NM_001407449.1, NM_001407447.1 and 1 more transcripts); c.5300C>T, p.Ser1767Phe (NM_001354897.2); c.5093C>T, p.Ser1698Phe (NM_001354901.2, NM_001407453.1); c.4997C>T, p.Ser1666Phe (NM_001354902.2); c.5195C>T, p.Ser1732Phe (NM_001354898.2); c.4790C>T, p.Ser1597Phe (NM_001354905.2); and 11 more; short protein forms S1373F, S1474F, S1597F, S1628F, S1631F, S1656F, S1666F, S1674F.
Identifiers: ClinVar variation 1716320 (VCV001716320.6), dbSNP rs1169261272, ClinGen allele CA16032853.

ClinVar aggregate classification (germline): Uncertain significance (1 of 4 stars; one submission).

Conditions:
Familial adenomatous polyposis 1 (FAP1). Also called: POLYPOSIS, ADENOMATOUS INTESTINAL; FAMILIAL ADENOMATOUS POLYPOSIS 1, ATTENUATED. Identifiers: MedGen C2713442, MONDO:0021056, OMIM 175100. Disease mechanism: loss of function.

Submission:

Labcorp Genetics (formerly Invitae), Labcorp
Classification: Uncertain significance for Familial adenomatous polyposis 1. Last evaluated: 2022-08-13. Review status: criteria provided, single submitter. Criteria: Invitae Variant Classification Sherloc (09022015). Collection method: clinical testing. Allele origin: germline.
Comment: In summary, the available evidence is currently insufficient to determine the role of this variant in disease. Therefore, it has been classified as a Variant of Uncertain Significance. This sequence change replaces serine, which is neutral and polar, with phenylalanine, which is neutral and non-polar, at codon 1757 of the APC protein (p.Ser1757Phe). This variant is not present in population databases (gnomAD no frequency). This variant has not been reported in the literature in individuals affected with APC-related conditions. Algorithms developed to predict the effect of missense changes on protein structure and function are either unavailable or do not agree on the potential impact of this missense change (SIFT: "Deleterious"; PolyPhen-2: "Possibly Damaging"; Align-GVGD: "Class C0").